The following is an entry in ClinVar:

NM_004568.6(SERPINB6):c.221C>T (p.Ser74Phe)

Gene: SERPINB6 (serpin family B member 6; minus strand). Cytogenetic location: 6p25.2.
Variant type: single nucleotide variant.
Coding change: c.221C>T on transcript NM_004568.6 (MANE Select); coding-DNA position 221, C replaced by T.
Protein change: p.Ser74Phe; replaces serine 74 with phenylalanine.
Molecular consequence: missense variant. On other transcripts: non-coding transcript variant (1).
Genome position (GRCh38, 1-based): chr6:2,955,615, G>A on the plus strand (C>T on the coding strand, the complement: SERPINB6 is on the minus strand). VCF-style: chr6-2955615-G-A. GRCh37 (hg19) VCF-style: chr6-2955849-G-A.
Other names: c.221C>T (NM_004568.5); c.233C>T, p.Ser78Phe (NM_001195291.3, NM_001374515.1); c.263C>T, p.Ser88Phe (NM_001271822.2); c.278C>T, p.Ser93Phe (NM_001271823.2); c.221C>T, p.Ser74Phe (NM_001271824.2, NM_001271825.2, NM_001297699.2 and 2 more transcripts); c.89C>T, p.Ser30Phe (NM_001374517.1); short protein forms S30F, S78F, S93F, S88F, S74F.
Identifiers: ClinVar variation 1479998 (VCV001479998.10), dbSNP rs947869732, ClinGen allele CA133443704.

ClinVar aggregate classification (germline): Uncertain significance. Review status: criteria provided, multiple submitters, no conflicts (2 of 4 stars). 3 submissions from 3 submitters: Uncertain significance (3). Last evaluated 2025-06-07.

Allele frequency attached by ClinVar (database versions not stated): gnomAD 0.00001; gnomAD exomes 0.00001; TOPMed 0.00007.

Submissions (3):

Ambry Genetics
Classification: Uncertain significance. Last evaluated: 2025-06-07. Review status: criteria provided, single submitter. Criteria: Ambry Variant Classification Scheme 2023. Collection method: clinical testing. Allele origin: germline.

GeneDx
Classification: Uncertain significance. Last evaluated: 2025-03-03. Review status: criteria provided, single submitter. Criteria: GeneDx Variant Classification Process June 2021. Collection method: clinical testing. Allele origin: germline. Affected: yes.
Comment: Not observed at significant frequency in large population cohorts (gnomAD); In silico analysis supports that this missense variant has a deleterious effect on protein structure/function; Has not been previously published as pathogenic or benign to our knowledge

Labcorp Genetics (formerly Invitae), Labcorp
Classification: Uncertain significance. Last evaluated: 2023-11-27. Review status: criteria provided, single submitter. Criteria: Invitae Variant Classification Sherloc (09022015). Collection method: clinical testing. Allele origin: germline.
Comment: This sequence change replaces serine, which is neutral and polar, with phenylalanine, which is neutral and non-polar, at codon 74 of the SERPINB6 protein (p.Ser74Phe). This variant is present in population databases (no rsID available, gnomAD 0.0009%). This variant has not been reported in the literature in individuals affected with SERPINB6-related conditions. ClinVar contains an entry for this variant (Variation ID: 1479998). Advanced modeling of protein sequence and biophysical properties (such as structural, functional, and spatial information, amino acid conservation, physicochemical variation, residue mobility, and thermodynamic stability) performed at Invitae indicates that this missense variant is not expected to disrupt SERPINB6 protein function with a negative predictive value of 80%. In summary, the available evidence is currently insufficient to determine the role of this variant in disease. Therefore, it has been classified as a Variant of Uncertain Significance.